The following is an entry in ClinVar:

NM_000059.4(BRCA2):c.10168C>G (p.Leu3390Val)

Gene: BRCA2 (BRCA2 DNA repair associated; plus strand). Cytogenetic location: 13q13.1.
Variant type: single nucleotide variant.
Coding change: c.10168C>G on transcript NM_000059.4 (MANE Select); coding-DNA position 10168, C replaced by G.
Protein change: p.Leu3390Val; replaces leucine 3390 with valine.
Molecular consequence: missense variant.
Genome position (GRCh38, 1-based): chr13:32,398,681, C>G. VCF-style: chr13-32398681-C-G. GRCh37 (hg19) VCF-style: chr13-32972818-C-G.
Other names: c.10072C>G, p.Leu3358Val (NM_001406719.1); c.10117C>G, p.Leu3373Val (NM_001406720.1); c.5236C>G, p.Leu1746Val (NM_001406721.1); c.3751C>G, p.Leu1251Val (NM_001406722.1); short protein forms L1251V, L3358V, L3390V, L1746V, L3373V.
Identifiers: ClinVar variation 2118660 (VCV002118660.4), dbSNP rs367889303, ClinGen allele CA247509677.
Genomic context (GRCh38, chr13:32,398,681, plus strand): 5'-AGGACTGCTCCCACCAGTTCAGAAGATTATCTCAGACTGAAACGACGTTGTACTACATCT[C>G]TGATCAAAGAACAGGAGAGTTCCCAGGCCAGTACGGAAGAATGTGAGAAAAATAAGCAGG-3'
Protein context (NP_000050.3, residues 3380-3400): LRLKRRCTTS[Leu3390Val]IKEQESSQAS

ClinVar aggregate classification (germline): Uncertain significance (1 of 4 stars; one submission).

Conditions:
Hereditary breast ovarian cancer syndrome. Also called: Hereditary breast and ovarian cancer syndrome (HBOC); Hereditary breast and/or ovarian cancer syndrome; Hereditary breast and ovarian cancer; BRCA1- and BRCA2-Associated Hereditary Breast and Ovarian Cancer; Breast and ovarian cancer; Hereditary breast and ovarian cancer syndrome. Identifiers: Orphanet 145, MedGen C0677776, MeSH D061325, MONDO:0003582. Disease mechanism: loss of function.

Submission:

Labcorp Genetics (formerly Invitae), Labcorp
Classification: Uncertain significance for Hereditary breast ovarian cancer syndrome. Last evaluated: 2022-03-28. Review status: criteria provided, single submitter. Criteria: Invitae Variant Classification Sherloc (09022015). Collection method: clinical testing. Allele origin: germline.
Comment: This sequence change replaces leucine, which is neutral and non-polar, with valine, which is neutral and non-polar, at codon 3390 of the BRCA2 protein (p.Leu3390Val). In summary, the available evidence is currently insufficient to determine the role of this variant in disease. Therefore, it has been classified as a Variant of Uncertain Significance. Advanced modeling of protein sequence and biophysical properties (such as structural, functional, and spatial information, amino acid conservation, physicochemical variation, residue mobility, and thermodynamic stability) performed at Invitae indicates that this missense variant is not expected to disrupt BRCA2 protein function. This variant has not been reported in the literature in individuals affected with BRCA2-related conditions. This variant is not present in population databases (gnomAD no frequency).